The following is an entry in ClinVar:

ClinVar aggregate classification (germline): Conflicting classifications of pathogenicity. Review status: criteria provided, conflicting classifications (1 of 4 stars). 4 submissions from 4 submitters: Pathogenic (1); Likely pathogenic (2); Uncertain significance (1). Last evaluated 2026-09-03.

Conditions:
Glycogen storage disease, type II (IOPD). Also called: GSD II; Pompe Disease; CARDIOMEGALIA GLYCOGENICA DIFFUSA; GLYCOGENOSIS, GENERALIZED, CARDIAC FORM; Glycogen storage disease type 2; Acid maltase deficiency disease. Identifiers: Orphanet 365, MedGen C0017921, MONDO:0009290, OMIM 232300.

Submissions (4):

Myriad Genetics, Inc.
Classification: Uncertain significance for Glycogen storage disease, type II. Last evaluated: 2026-09-03. Review status: criteria provided, single submitter. Criteria: Myriad Autosomal Dominant, Autosomal Recessive and X-Linked Classification Criteria (2023). Collection method: clinical testing. Allele origin: unknown.
Comment: NM_000152.3(GAA):c.1370C>T(P457L) is a missense variant classified as a variant of uncertain significance in the context of Pompe disease. P457L has been observed in cases with relevant disease (PMID: 34852371, 18425781, 40225932, 31342611). Relevant functional assessments of this variant are available in the literature (PMID: 22644586, 31228295). P457L has not been observed in referenced population frequency databases. In summary, there is insufficient evidence to classify NM_000152.3(GAA):c.1370C>T(P457L) as pathogenic or benign. Please note: this variant was assessed in the context of healthy population screening.

Genomenon, Inc
Classification: Likely pathogenic for Glycogen storage disease, type II. Last evaluated: 2026-07-01. Review status: criteria provided, single submitter. Criteria: Genomenon Sequence Variant Interpretation Standards - Updated. Collection method: curation. Allele origin: germline. Affected: yes.
Comment: GAA p.Pro457Leu (c.1370C>T) is a missense variant that changes the amino acid at codon 457 from Proline to Leucine. This variant has been observed in at least one proband with a GAA-related disorder in the compound heterozygous and/or homozygous state (PMID:34852371;22676651). At least one functional study has demonstrated a substantial alteration in protein function relative to the wild-type (PMID:18425781). It is absent or not present at a significant frequency in gnomAD. In silico models predict that this variant is possibly or probably damaging. In conclusion, we classify GAA p.Pro457Leu (c.1370C>T) as a likely pathogenic variant.

Labcorp Genetics (formerly Invitae), Labcorp
Classification: Pathogenic for Glycogen storage disease, type II. Last evaluated: 2025-08-21. Review status: criteria provided, single submitter. Criteria: Invitae Variant Classification Sherloc (09022015). Collection method: clinical testing. Allele origin: germline.
Comment: This sequence change replaces proline, which is neutral and non-polar, with leucine, which is neutral and non-polar, at codon 457 of the GAA protein (p.Pro457Leu). This variant is not present in population databases (gnomAD no frequency). This missense change has been observed in individual(s) with Pompe disease (PMID: 18425781, 34852371). In at least one individual the data is consistent with being in trans (on the opposite chromosome) from a pathogenic variant. ClinVar contains an entry for this variant (Variation ID: 847579). Invitae Evidence Modeling of protein sequence and biophysical properties (such as structural, functional, and spatial information, amino acid conservation, physicochemical variation, residue mobility, and thermodynamic stability) indicates that this missense variant is expected to disrupt GAA protein function with a positive predictive value of 95%. This variant disrupts the p.Pro457 amino acid residue in GAA. Other variant(s) that disrupt this residue have been determined to be pathogenic (internal data). This suggests that this residue is clinically significant, and that variants that disrupt this residue are likely to be disease-causing. For these reasons, this variant has been classified as Pathogenic.

Women's Health and Genetics/Laboratory Corporation of America, LabCorp
Classification: Likely pathogenic for Glycogen storage disease, type II. Last evaluated: 2025-03-26. Review status: criteria provided, single submitter. Criteria: LabCorp Variant Classification Summary - May 2015. Collection method: clinical testing. Allele origin: germline.
Comment: Variant summary: GAA c.1370C>T (p.Pro457Leu) results in a non-conservative amino acid change in the encoded protein sequence. Five of five in-silico tools predict a damaging effect of the variant on protein function. The variant was absent in 250376 control chromosomes. c.1370C>T has been reported in the literature in at least one individual affected with Glycogen Storage Disease, Type 2 (Pompe Disease) (e.g., Herzog_2012, Holzwarth_2022). At least two publications reports experimental evidence evaluating an impact on protein function (e.g., Kroos_2008, Balendran-Braun_2024). The most pronounced variant effect results in 10% of normal activity. The following publications have been ascertained in the context of this evaluation (PMID: 22676651, 34852371, 18425781). ClinVar contains an entry for this variant (Variation ID: 847579). Based on the evidence outlined above, the variant was classified as likely pathogenic.

Literature cited by the submitters: PubMed 18425781 (cited by 4 submitters); PubMed 22644586 (cited by Myriad Genetics, Inc.); PubMed 31228295 (cited by Myriad Genetics, Inc.); PubMed 31342611 (cited by Myriad Genetics, Inc.); PubMed 34852371 (cited by 4 submitters); PubMed 40225932 (cited by Myriad Genetics, Inc.); PubMed 22676651 (cited by Genomenon, Inc and Women's Health and Genetics/Laboratory Corporation of America, LabCorp).

NM_000152.5(GAA):c.1370C>T (p.Pro457Leu)

Gene: GAA (alpha glucosidase; plus strand). Cytogenetic location: 17q25.3.
Variant type: single nucleotide variant.
Coding change: c.1370C>T on transcript NM_000152.5 (MANE Select); coding-DNA position 1370, C replaced by T.
Protein change: p.Pro457Leu; replaces proline 457 with leucine.
Molecular consequence: missense variant.
Genome position (GRCh38, 1-based): chr17:80,109,988, C>T. VCF-style: chr17-80109988-C-T. GRCh37 (hg19) VCF-style: chr17-78083787-C-T.
Other names: c.1370C>T, p.Pro457Leu (NM_001079803.3, NM_001079804.3); short protein forms P457L.
Identifiers: ClinVar variation 847579 (VCV000847579.11), dbSNP rs2039191855, ClinGen allele CA401366415.
Genomic context (GRCh38, chr17:80,109,988, plus strand): 5'-GGTTTCCCTCTTCCCAGGATCCTGCCATCAGCAGCTCGGGCCCTGCCGGGAGCTACAGGC[C>T]CTACGACGAGGGTCTGCGGAGGGGGGTTTTCATCACCAACGAGACCGGCCAGCCGCTGAT-3'
Protein context (NP_000143.2, residues 447-467): SSSGPAGSYR[Pro457Leu]YDEGLRRGVF